The following is an entry in ClinVar:

ClinVar aggregate classification (germline): Uncertain significance (1 of 4 stars; one submission).

gnomAD v4.1: 4 of 1,613,908 alleles (0.00025%); highest among the groups gnomAD compares: Middle Eastern, 0.017%; no homozygotes.

Submission:

Labcorp Genetics (formerly Invitae), Labcorp
Classification: Uncertain significance. Last evaluated: 2022-07-13. Review status: criteria provided, single submitter. Criteria: Invitae Variant Classification Sherloc (09022015). Collection method: clinical testing. Allele origin: germline.
Comment: Algorithms developed to predict the effect of missense changes on protein structure and function are either unavailable or do not agree on the potential impact of this missense change (SIFT: "Deleterious"; PolyPhen-2: "Probably Damaging"; Align-GVGD: "Class C0"). This variant has not been reported in the literature in individuals affected with NFATC1-related conditions. This variant is not present in population databases (gnomAD no frequency). This sequence change replaces isoleucine, which is neutral and non-polar, with valine, which is neutral and non-polar, at codon 478 of the NFATC1 protein (p.Ile478Val). In summary, the available evidence is currently insufficient to determine the role of this variant in disease. Therefore, it has been classified as a Variant of Uncertain Significance.

NM_001278669.2(NFATC1):c.1432A>G (p.Ile478Val)

Gene: NFATC1 (nuclear factor of activated T cells 1; plus strand). Cytogenetic location: 18q23.
Variant type: single nucleotide variant.
Coding change: c.1432A>G on transcript NM_001278669.2 (MANE Select); coding-DNA position 1432, A replaced by G.
Protein change: p.Ile478Val; replaces isoleucine 478 with valine.
Molecular consequence: missense variant.
Genome position (GRCh38, 1-based): chr18:79,448,827, A>G. VCF-style: chr18-79448827-A-G. GRCh37 (hg19) VCF-style: chr18-77208827-A-G.
Other names: c.1432A>G, p.Ile478Val (NM_001278670.2, NM_006162.5, NM_172390.3); c.1393A>G, p.Ile465Val (NM_001278672.2, NM_001278675.2, NM_172387.3 and 1 more transcripts); c.16A>G, p.Ile6Val (NM_001278673.2, NM_172388.3); short protein forms I465V, I478V, I6V.
Identifiers: ClinVar variation 2043689 (VCV002043689.4), dbSNP rs2087329730, ClinGen allele CA402821102.